The following is an entry in ClinVar:

ClinVar aggregate classification (germline): Uncertain significance. Review status: criteria provided, multiple submitters, no conflicts (2 of 4 stars). 4 submissions from 4 submitters: Uncertain significance (4). Last evaluated 2026-07-13.

Conditions:
TTN-related disorder. Also called: TTN-related disorders; TTN-related condition; TTN-related disease.
Autosomal recessive limb-girdle muscular dystrophy type 2J (LGMDR10). Also called: Limb-girdle muscular dystrophy, type 2J; MUSCULAR DYSTROPHY, LIMB-GIRDLE, AUTOSOMAL RECESSIVE 10. Identifiers: Orphanet 140922, MedGen C1837342, MONDO:0012127, OMIM 608807.
Dilated cardiomyopathy 1G (CMD1G). Identifiers: Orphanet 154, MedGen C1858763, MONDO:0011400, OMIM 604145.
Early-onset myopathy with fatal cardiomyopathy (CMYO5). Also called: Salih Myopathy; CONGENITAL MYOPATHY 5 WITH CARDIOMYOPATHY. Identifiers: Orphanet 289377, MedGen C2673677, MONDO:0012714, OMIM 611705. Disease mechanism: loss of function.
Hypertrophic cardiomyopathy 9. Also called: Familial hypertrophic cardiomyopathy 9. Identifiers: MedGen C1861065, MONDO:0013412, OMIM 613765.
Myopathy, myofibrillar, 9, with early respiratory failure (MFM9). Also called: Hereditary myopathy with early respiratory failure; MYOPATHY, PROXIMAL, WITH EARLY RESPIRATORY MUSCLE INVOLVEMENT; EDSTROM MYOPATHY; Myopathy, distal, with early respiratory failure, autosomal dominant. Identifiers: Orphanet 178464, Orphanet 34521, MedGen C1863599, MONDO:0011362, OMIM 603689.
Tibial muscular dystrophy (TMD). Also called: UDD MYOPATHY; Tibial muscular dystrophy, tardive; Udd Distal Myopathy – Tibial Muscular Dystrophy. Identifiers: Orphanet 609, MedGen C1838244, MONDO:0010870, OMIM 600334.

Allele frequency attached by ClinVar (database versions not stated): gnomAD exomes 0.00005; TOPMed 0.00006.
gnomAD v4.1: 24 of 1,607,786 alleles (0.0015%); highest among the groups gnomAD compares: Admixed American, 0.027%; no homozygotes.

Submissions (4):

PreventionGenetics, part of Exact Sciences
Classification: Uncertain significance for TTN-related condition. Last evaluated: 2026-07-13. Review status: criteria provided, single submitter. Criteria: ACMG Guidelines, 2015. Collection method: clinical testing. Allele origin: germline.
Comment: The TTN c.89500C>A variant is predicted to result in the amino acid substitution p.Leu29834Ile. To our knowledge, this variant has not been reported in the literature. This variant is reported in 0.032% of alleles in individuals of Latino descent in gnomAD. At this time, the clinical significance of this variant is uncertain due to the absence of conclusive functional and genetic evidence.

Revvity Omics, Revvity
Classification: Uncertain significance. Last evaluated: 2024-07-02. Review status: criteria provided, single submitter. Criteria: ACMG Guidelines, 2015. Collection method: clinical testing. Allele origin: germline.

Fulgent Genetics
Classification: Uncertain significance for Tibial muscular dystrophy; Myopathy, myofibrillar, 9, with early respiratory failure; Dilated cardiomyopathy 1G; Autosomal recessive limb-girdle muscular dystrophy type 2J; Early-onset myopathy with fatal cardiomyopathy; Hypertrophic cardiomyopathy 9. Last evaluated: 2021-11-16. Review status: criteria provided, single submitter. Criteria: ACMG Guidelines, 2015. Collection method: clinical testing. Allele origin: unknown.

Labcorp Genetics (formerly Invitae), Labcorp
Classification: Uncertain significance for Dilated cardiomyopathy 1G; Autosomal recessive limb-girdle muscular dystrophy type 2J. Last evaluated: 2016-12-20. Review status: criteria provided, single submitter. Criteria: Invitae Variant Classification Sherloc (09022015). Collection method: clinical testing. Allele origin: germline.

NM_001267550.2(TTN):c.89500C>A (p.Leu29834Ile)

Genes: TTN (titin; minus strand), TTN-AS1 (TTN antisense RNA 1; plus strand). Cytogenetic location: 2q31.2.
Variant type: single nucleotide variant.
Coding change: c.89500C>A on transcript NM_001267550.2 (MANE Select); coding-DNA position 89500, C replaced by A.
Protein change: p.Leu29834Ile; replaces leucine 29834 with isoleucine.
Molecular consequence: missense variant.
Genome position (GRCh38, 1-based): chr2:178,553,505, G>T on the plus strand (C>A on the coding strand, the complement: TTN is on the minus strand). VCF-style: chr2-178553505-G-T. GRCh37 (hg19) VCF-style: chr2-179418232-G-T.
Other names: c.84577C>A, p.Leu28193Ile (NM_001256850.1); c.62305C>A, p.Leu20769Ile (NM_003319.4); c.81796C>A, p.Leu27266Ile (NM_133378.4); c.62680C>A, p.Leu20894Ile (NM_133432.3); c.62881C>A, p.Leu20961Ile (NM_133437.4); short protein forms L29834I, L20769I, L20961I, L27266I, L28193I, L20894I.
Identifiers: ClinVar variation 404685 (VCV000404685.8), dbSNP rs761591533, ClinGen allele CA1987918.